The following is an entry in ClinVar:

ClinVar aggregate classification (germline): Likely benign (1 of 4 stars; one submission).

Conditions:
ANKS6-related disorder. Also called: ANKS6-related condition.

gnomAD v4.1: 14 of 1,607,450 alleles (0.00087%); highest among the groups gnomAD compares: East Asian, 0.0045%; no homozygotes.

Submission:

PreventionGenetics, part of Exact Sciences
Classification: Likely benign for ANKS6-related condition. Last evaluated: 2026-09-22. Review status: criteria provided, single submitter. Criteria: ACMG Guidelines, 2015. Collection method: clinical testing. Allele origin: germline.
Comment: This variant is classified as likely benign based on ACMG/AMP sequence variant interpretation guidelines (Richards et al. 2015 PMID: 25741868, with internal and published modifications).

NM_173551.5(ANKS6):c.2517C>T (p.Arg839=)

Gene: ANKS6 (ankyrin repeat and sterile alpha motif domain containing 6; minus strand). Cytogenetic location: 9q22.33.
Variant type: single nucleotide variant.
Coding change: c.2517C>T on transcript NM_173551.5 (MANE Select); coding-DNA position 2517, C replaced by T.
Protein change: p.Arg839=; no amino-acid change (arginine 839 retained).
Molecular consequence: synonymous variant.
Genome position (GRCh38, 1-based): chr9:98,736,618, G>A on the plus strand (C>T on the coding strand, the complement: ANKS6 is on the minus strand). VCF-style: chr9-98736618-G-A. GRCh37 (hg19) VCF-style: chr9-101498900-G-A.
Identifiers: ClinVar variation 4978090 (VCV004978090.1).